The following is an entry in ClinVar:

NM_030973.4(MED25):c.419G>A (p.Arg140Gln)

Gene: MED25 (mediator complex subunit 25; plus strand). Cytogenetic location: 19q13.33.
Variant type: single nucleotide variant.
Coding change: c.419G>A on transcript NM_030973.4 (MANE Select); coding-DNA position 419, G replaced by A.
Protein change: p.Arg140Gln; replaces arginine 140 with glutamine.
Molecular consequence: missense variant.
Genome position (GRCh38, 1-based): chr19:49,828,984, G>A. VCF-style: chr19-49828984-G-A. GRCh37 (hg19) VCF-style: chr19-50332241-G-A.
Other names: c.419G>A, p.Arg140Gln (NM_001378355.1); c.419G>A (NM_030973.3); short protein forms R140Q.
Identifiers: ClinVar variation 1047449 (VCV001047449.10), dbSNP rs748347831, ClinGen allele CA9584859.

ClinVar aggregate classification (germline): Uncertain significance. Review status: criteria provided, multiple submitters, no conflicts (2 of 4 stars). 2 submissions from 2 submitters: Uncertain significance (2). Last evaluated 2023-04-25.

Conditions:
Inborn genetic diseases. Identifiers: MedGen C0950123, MeSH D030342.
Charcot-Marie-Tooth disease type 2. Also called: Charcot-Marie-Tooth type 2. Identifiers: Orphanet 64746, MedGen C0270914, MONDO:0018993.

Submissions (2):

Ambry Genetics
Classification: Uncertain significance for Inborn genetic diseases. Last evaluated: 2023-04-25. Review status: criteria provided, single submitter. Criteria: Ambry Variant Classification Scheme 2023. Collection method: clinical testing. Allele origin: germline.

Labcorp Genetics (formerly Invitae), Labcorp
Classification: Uncertain significance for Charcot-Marie-Tooth disease type 2. Last evaluated: 2020-05-26. Review status: criteria provided, single submitter. Criteria: Invitae Variant Classification Sherloc (09022015). Collection method: clinical testing. Allele origin: germline.
Comment: In summary, the available evidence is currently insufficient to determine the role of this variant in disease. Therefore, it has been classified as a Variant of Uncertain Significance. Algorithms developed to predict the effect of missense changes on protein structure and function are either unavailable or do not agree on the potential impact of this missense change (SIFT: "Tolerated"; PolyPhen-2: "Possibly Damaging"; Align-GVGD: "Class C0"). This variant has not been reported in the literature in individuals with MED25-related conditions. This variant is present in population databases (rs748347831, ExAC 0.005%). This sequence change replaces arginine with glutamine at codon 140 of the MED25 protein (p.Arg140Gln). The arginine residue is moderately conserved and there is a small physicochemical difference between arginine and glutamine.